The following is an entry in ClinVar:

ClinVar aggregate classification (germline): Benign/Likely benign. Review status: criteria provided, multiple submitters, no conflicts (2 of 4 stars). 5 submissions from 5 submitters: Benign (1); Likely benign (2). 2 of the submissions do not count toward it. Last evaluated 2025-11-01.

Conditions:
Telangiectasia, hereditary hemorrhagic, type 5 (HHT5). Identifiers: Orphanet 774, MedGen C3809710, MONDO:0014217, OMIM 615506.
GDF2-related disorder. Also called: GDF2-related condition.
Cardiovascular phenotype. Identifiers: MedGen CN230736.
Pulmonary arterial hypertension. Identifiers: Orphanet 182090, MedGen C2973725, MeSH D000081029, MONDO:0015924, HP:0002092.

Allele frequency attached by ClinVar (database versions not stated): gnomAD exomes 0.00002; gnomAD 0.00003 and 0.00004; TOPMed 0.00004; ExAC 0.00009.
gnomAD v4.1: 39 of 1,614,042 alleles (0.0024%); highest among the groups gnomAD compares: Admixed American, 0.065%; no homozygotes.

Submissions (5):

Labcorp Genetics (formerly Invitae), Labcorp
Classification: Likely benign for Telangiectasia, hereditary hemorrhagic, type 5. Last evaluated: 2025-11-01. Review status: criteria provided, single submitter. Criteria: Invitae Variant Classification Sherloc (09022015). Collection method: clinical testing. Allele origin: germline.

Ambry Genetics
Classification: Benign for Cardiovascular phenotype. Last evaluated: 2022-07-01. Review status: criteria provided, single submitter. Criteria: Ambry Variant Classification Scheme 2023. Collection method: clinical testing. Allele origin: germline.

GeneDx
Classification: Likely benign. Last evaluated: 2017-05-26. Review status: criteria provided, single submitter. Criteria: GeneDx Variant Classification (06012015). Collection method: clinical testing. Allele origin: germline. Affected: yes.
Comment: This variant is considered likely benign or benign based on one or more of the following criteria: it is a conservative change, it occurs at a poorly conserved position in the protein, it is predicted to be benign by multiple in silico algorithms, and/or has population frequency not consistent with disease.

PreventionGenetics, part of Exact Sciences
Classification: Likely benign for GDF2-related condition. Last evaluated: 2024-02-14. Review status: no assertion criteria provided. Collection method: clinical testing. Allele origin: germline. Not counted in ClinVar's aggregate classification.
Comment: This variant is classified as likely benign based on ACMG/AMP sequence variant interpretation guidelines (Richards et al. 2015 PMID: 25741868, with internal and published modifications).

John Welsh Cardiovascular Diagnostic Laboratory, Baylor College of Medicine
Classification: Benign for Pulmonary arterial hypertension. Last evaluated: 2022-09-26. Review status: no assertion criteria provided. Criteria: ACMG Guidelines, 2015. Collection method: clinical testing. Allele origin: germline. Not counted in ClinVar's aggregate classification.

NM_016204.4(GDF2):c.750C>A (p.Asn250Lys)

Gene: GDF2 (growth differentiation factor 2; plus strand). Cytogenetic location: 10q11.22.
Variant type: single nucleotide variant.
Coding change: c.750C>A on transcript NM_016204.4 (MANE Select); coding-DNA position 750, C replaced by A.
Protein change: p.Asn250Lys; replaces asparagine 250 with lysine.
Molecular consequence: missense variant.
Genome position (GRCh38, 1-based): chr10:47,325,244, C>A. VCF-style: chr10-47325244-C-A. GRCh37 (hg19) VCF-style: chr10-48414118-G-T.
Other names: c.750C>A (NM_016204.1, NM_016204.3); short protein forms N250K.
Identifiers: ClinVar variation 509527 (VCV000509527.14), dbSNP rs782092613, ClinGen allele CA5488032.